The following is an entry in ClinVar:

NM_206937.2(LIG4):c.1560G>A (p.Leu520=)

Gene: LIG4 (DNA ligase 4; minus strand). Cytogenetic location: 13q33.3.
Variant type: single nucleotide variant.
Coding change: c.1560G>A on transcript NM_206937.2 (MANE Select); coding-DNA position 1560, G replaced by A.
Protein change: p.Leu520=; no amino-acid change (leucine 520 retained).
Molecular consequence: synonymous variant.
Genome position (GRCh38, 1-based): chr13:108,209,709, C>T on the plus strand (G>A on the coding strand, the complement: LIG4 is on the minus strand). VCF-style: chr13-108209709-C-T. GRCh37 (hg19) VCF-style: chr13-108862057-C-T.
Other names: c.1560G>A, p.Leu520= (NM_001098268.2, NM_001352598.2, NM_001352599.2 and 6 more transcripts); c.1359G>A, p.Leu453= (NM_001330595.2); c.1596G>A, p.Leu532= (NM_001352604.2).
Identifiers: ClinVar variation 703616 (VCV000703616.35), dbSNP rs756164120, ClinGen allele CA7043665.

ClinVar aggregate classification (germline): Likely benign. Review status: criteria provided, multiple submitters, no conflicts (2 of 4 stars). 2 submissions from 2 submitters: Likely benign (2). Last evaluated 2025-12-24.

Conditions:
DNA ligase IV deficiency. Identifiers: Orphanet 99812, MedGen C1847827, MONDO:0011686, OMIM 606593.

Allele frequency attached by ClinVar (database versions not stated): TOPMed 0.00003; gnomAD 0.00004; gnomAD exomes 0.00005 and 0.00006; ExAC 0.00007.
gnomAD v4.1: 79 of 1,613,992 alleles (0.0049%); highest among the groups gnomAD compares: Middle Eastern, 0.033%; no homozygotes.

Submissions (2):

Labcorp Genetics (formerly Invitae), Labcorp
Classification: Likely benign for DNA ligase IV deficiency. Last evaluated: 2025-12-24. Review status: criteria provided, single submitter. Criteria: Invitae Variant Classification Sherloc (09022015). Collection method: clinical testing. Allele origin: germline.

CeGaT Center for Human Genetics Tuebingen
Classification: Likely benign. Last evaluated: 2022-12-01. Review status: criteria provided, single submitter. Criteria: CeGaT Center For Human Genetics Tuebingen Variant Classification Criteria Version 2. Collection method: clinical testing. Allele origin: germline. Affected: yes. Observed: 1 variant allele.
Comment: LIG4: BP4, BP7